The following is an entry in ClinVar:

ClinVar aggregate classification (germline): Conflicting classifications of pathogenicity. Review status: criteria provided, conflicting classifications (1 of 4 stars). 2 submissions from 2 submitters: Uncertain significance (1); Likely benign (1). Last evaluated 2023-03-23.

Conditions:
Hereditary cancer-predisposing syndrome. Also called: Hereditary neoplastic syndrome; Hereditary Cancer Syndrome; Tumor predisposition; Neoplastic Syndromes, Hereditary. Identifiers: Orphanet 140162, MedGen C0027672, MeSH D009386, MONDO:0015356.
Hereditary breast ovarian cancer syndrome. Also called: Hereditary breast and ovarian cancer; Hereditary breast and/or ovarian cancer syndrome; Hereditary breast and ovarian cancer syndrome (HBOC); Breast and ovarian cancer; Hereditary breast and ovarian cancer syndrome; BRCA1- and BRCA2-Associated Hereditary Breast and Ovarian Cancer. Identifiers: Orphanet 145, MedGen C0677776, MeSH D061325, MONDO:0003582. Disease mechanism: loss of function.

Submissions (2):

University of Washington Department of Laboratory Medicine, University of Washington
Classification: Likely benign for Hereditary cancer-predisposing syndrome. Last evaluated: 2023-03-23. Review status: criteria provided, single submitter. Criteria: Dines et al. (Genet Med. 2020). Collection method: curation. Allele origin: germline.
Comment: Missense variant in a coldspot region where missense variants are very unlikely to be pathogenic (PMID:31911673).

BRCA1 coldspot (exon 11 using historical exon numbering). Reclassification based on statistical prior probability

Labcorp Genetics (formerly Invitae), Labcorp
Classification: Uncertain significance for Hereditary breast ovarian cancer syndrome. Last evaluated: 2022-04-29. Review status: criteria provided, single submitter. Criteria: Invitae Variant Classification Sherloc (09022015). Collection method: clinical testing. Allele origin: germline.
Comment: This variant has not been reported in the literature in individuals affected with BRCA1-related conditions. This variant is not present in population databases (gnomAD no frequency). This sequence change replaces isoleucine, which is neutral and non-polar, with threonine, which is neutral and polar, at codon 980 of the BRCA1 protein (p.Ile980Thr). In summary, the available evidence is currently insufficient to determine the role of this variant in disease. Therefore, it has been classified as a Variant of Uncertain Significance. Advanced modeling of protein sequence and biophysical properties (such as structural, functional, and spatial information, amino acid conservation, physicochemical variation, residue mobility, and thermodynamic stability) performed at Invitae indicates that this missense variant is not expected to disrupt BRCA1 protein function.

NM_007294.4(BRCA1):c.2939T>C (p.Ile980Thr)

Gene: BRCA1 (BRCA1 DNA repair associated; minus strand). Cytogenetic location: 17q21.31.
Variant type: single nucleotide variant.
Coding change: c.2939T>C on transcript NM_007294.4 (MANE Select); coding-DNA position 2939, T replaced by C.
Protein change: p.Ile980Thr; replaces isoleucine 980 with threonine.
Molecular consequence: missense variant. On other transcripts: intron variant (137).
Genome position (GRCh38, 1-based): chr17:43,092,592, A>G on the plus strand (T>C on the coding strand, the complement: BRCA1 is on the minus strand). VCF-style: chr17-43092592-A-G. GRCh37 (hg19) VCF-style: chr17-41244609-A-G.
Other names: c.2729T>C, p.Ile910Thr (NM_001407881.1, NM_001407882.1, NM_001407884.1 and 13 more transcripts); c.2726T>C, p.Ile909Thr (NM_001407894.1, NM_001407895.1, NM_001407896.1 and 9 more transcripts); c.2675T>C, p.Ile892Thr (NM_001407933.1, NM_001407935.1, NM_001407920.1 and 9 more transcripts); c.2672T>C, p.Ile891Thr (NM_001407934.1, NM_001407936.1, NM_001407930.1 and 2 more transcripts); c.2816T>C, p.Ile939Thr (NM_001407937.1, NM_001407938.1, NM_001407919.1 and 19 more transcripts); c.647-1560T>C (NM_001408452.1, NM_001408457.1, NM_001408460.1 and 11 more transcripts); c.524-1560T>C (NM_001408497.1, NM_001408496.1, NM_001408499.1 and 3 more transcripts); c.788-1560T>C (NM_001407973.1, NM_001408403.1, NM_001407983.1 and 17 more transcripts); and 41 more; short protein forms I684T, I812T, I913T, I939T, I977T, I979T, I892T, I909T.
Identifiers: ClinVar variation 2131880 (VCV002131880.6), dbSNP rs1567793505, ClinGen allele CA10596119.